The following is an entry in ClinVar:

NM_001076786.3(QSER1):c.4178-2A>G

Gene: QSER1 (glutamine and serine rich 1; plus strand). Cytogenetic location: 11p13.
Variant type: single nucleotide variant.
Coding change: c.4178-2A>G on transcript NM_001076786.3 (MANE Select); the canonical splice acceptor site of the intron before coding-DNA position 4178, A replaced by G.
Molecular consequence: splice acceptor variant.
Genome position (GRCh38, 1-based): chr11:32,953,855, A>G. VCF-style: chr11-32953855-A-G. GRCh37 (hg19) VCF-style: chr11-32975401-A-G.
Other names: c.4178-2A>G (NM_001416039.1, NM_001416037.1, NM_001416036.1); c.4016-2A>G (NM_001416038.1).
Identifiers: ClinVar variation 4076969 (VCV004076969.1).

ClinVar aggregate classification (germline): Uncertain significance (1 of 4 stars; one submission).

gnomAD v4.1: 3 of 1,596,730 alleles (0.00019%); highest among the groups gnomAD compares: Non-Finnish European, 0.00026%; no homozygotes.

Submission:

Genomics, Genetics and Epigenetics Laboratory, Medical College of Wisconsin
Classification: Uncertain significance. Last evaluated: 2025-08-21. Review status: criteria provided, single submitter. Criteria: ACMG Guidelines, 2015. Collection method: research. Allele origin: unknown. Affected: yes.
Comment: The NM_001076786.3:c.4178-2A>G variant is predicted to afffect splicing by exon skipping (frameshift and nonsense mediated decay) or alternate acceptor site (in-frame deletion). The variant is seen x3 gnomAD v4.1.0 and the deleted amino acid has a GERP++ score of 5.7.